The following is an entry in ClinVar:

ClinVar aggregate classification (germline): Uncertain significance. Review status: criteria provided, multiple submitters, no conflicts (2 of 4 stars). 2 submissions from 2 submitters: Uncertain significance (2). Last evaluated 2025-10-14.

Conditions:
Dyskeratosis congenita, autosomal recessive 5 (DKCB5). Identifiers: MedGen C3554656, MONDO:0014076, OMIM 615190.
Pulmonary fibrosis and/or bone marrow failure, Telomere-related, 3. Also called: PULMONARY FIBROSIS AND/OR BONE MARROW FAILURE SYNDROME, TELOMERE-RELATED, 3. Identifiers: Orphanet 2032, MedGen C4225346, MONDO:0014613, OMIM 616373.
Inborn genetic diseases. Identifiers: MedGen C0950123, MeSH D030342.

Allele frequency attached by ClinVar (database versions not stated): gnomAD exomes below 0.00001; TOPMed 0.00001; gnomAD 0.00001; ExAC 0.00001.
gnomAD v4.1: 2 of 1,613,978 alleles (0.00012%); highest among the groups gnomAD compares: Admixed American, 0.0033%; no homozygotes.

Submissions (2):

Ambry Genetics
Classification: Uncertain significance for Inborn genetic diseases. Last evaluated: 2025-10-14. Review status: criteria provided, single submitter. Criteria: Ambry Variant Classification Scheme 2023. Collection method: clinical testing. Allele origin: germline.
Comment: The p.A289S variant (also known as c.865G>T), located in coding exon 9 of the RTEL1 gene, results from a G to T substitution at nucleotide position 865. The alanine at codon 289 is replaced by serine, an amino acid with similar properties. This amino acid position is conserved. In addition, this alteration is predicted to be tolerated by in silico analysis. Based on the available evidence, the clinical significance of this variant remains unclear.

Labcorp Genetics (formerly Invitae), Labcorp
Classification: Uncertain significance for Dyskeratosis congenita, autosomal recessive 5; Pulmonary fibrosis and/or bone marrow failure, Telomere-related, 3. Last evaluated: 2022-07-20. Review status: criteria provided, single submitter. Criteria: Invitae Variant Classification Sherloc (09022015). Collection method: clinical testing. Allele origin: germline.
Comment: This sequence change replaces alanine, which is neutral and non-polar, with serine, which is neutral and polar, at codon 289 of the RTEL1 protein (p.Ala289Ser). This variant is present in population databases (rs756924410, gnomAD 0.003%). This variant has not been reported in the literature in individuals affected with RTEL1-related conditions. Algorithms developed to predict the effect of missense changes on protein structure and function (SIFT, PolyPhen-2, Align-GVGD) all suggest that this variant is likely to be tolerated. In summary, the available evidence is currently insufficient to determine the role of this variant in disease. Therefore, it has been classified as a Variant of Uncertain Significance.

NM_001283009.2(RTEL1):c.865G>T (p.Ala289Ser)

Genes: RTEL1 (regulator of telomere elongation helicase 1; plus strand), RTEL1-TNFRSF6B (RTEL1-TNFRSF6B readthrough (NMD candidate); plus strand). Cytogenetic location: 20q13.33.
Variant type: single nucleotide variant.
Coding change: c.865G>T on transcript NM_001283009.2 (MANE Select); coding-DNA position 865, G replaced by T.
Protein change: p.Ala289Ser; replaces alanine 289 with serine.
Molecular consequence: missense variant. On other transcripts: non-coding transcript variant (1).
Genome position (GRCh38, 1-based): chr20:63,674,039, G>T. VCF-style: chr20-63674039-G-T. GRCh37 (hg19) VCF-style: chr20-62305392-G-T.
Other names: c.196G>T, p.Ala66Ser (NM_001283010.1); c.865G>T, p.Ala289Ser (NM_016434.4); c.937G>T, p.Ala313Ser (NM_032957.5); short protein forms A289S, A313S, A66S.
Identifiers: ClinVar variation 2142232 (VCV002142232.2), dbSNP rs756924410, ClinGen allele CA9964465.
Genomic context (GRCh38, chr20:63,674,039, plus strand): 5'-CCCCATGACCTGGCTTCAGGACTGGACGTCATAGACCAGGTGCTGGAGGAGCAGACCAAG[G>T]CAGCGCAGCAGGGTGAGCCCCACCCGGAGTTCAGCGCGGACTCCCCCAGCCCAGGTGCGT-3'
Protein context (NP_001269938.1, residues 279-299): IDQVLEEQTK[Ala289Ser]AQQGEPHPEF